The following is an entry in ClinVar:

ClinVar aggregate classification (germline): Conflicting classifications of pathogenicity. Review status: criteria provided, conflicting classifications (1 of 4 stars). 3 submissions from 3 submitters: Uncertain significance (2); Likely benign (1). Last evaluated 2023-02-01.

Conditions:
Cardiovascular phenotype. Identifiers: MedGen CN230736.

Allele frequency attached by ClinVar (database versions not stated): ExAC 0.00001; gnomAD exomes 0.00001.
gnomAD v4.1: 11 of 1,613,398 alleles (0.00068%); highest among the groups gnomAD compares: South Asian, 0.0066%; no homozygotes.

Submissions (3):

CeGaT Center for Human Genetics Tuebingen
Classification: Uncertain significance. Last evaluated: 2023-02-01. Review status: criteria provided, single submitter. Criteria: CeGaT Center For Human Genetics Tuebingen Variant Classification Criteria Version 2. Collection method: clinical testing. Allele origin: germline. Affected: yes. Observed: 1 variant allele.
Comment: TTN: PM2

Ambry Genetics
Classification: Likely benign for Cardiovascular phenotype. Last evaluated: 2020-08-18. Review status: criteria provided, single submitter. Criteria: Ambry Variant Classification Scheme 2023. Collection method: clinical testing. Allele origin: germline.

GeneDx
Classification: Uncertain significance. Last evaluated: 2019-12-24. Review status: criteria provided, single submitter. Criteria: GeneDx Variant Classification Process June 2021. Collection method: clinical testing. Allele origin: germline. Affected: yes.
Comment: Not observed at a significant frequency in large population cohorts (Lek et al., 2016); Missense variant in a gene in which most reported pathogenic variants are truncating/loss-of-function

NM_001267550.2(TTN):c.77978C>T (p.Pro25993Leu)

Genes: TTN (titin; minus strand), TTN-AS1 (TTN antisense RNA 1; plus strand). Cytogenetic location: 2q31.2.
Variant type: single nucleotide variant.
Coding change: c.77978C>T on transcript NM_001267550.2 (MANE Select); coding-DNA position 77978, C replaced by T.
Protein change: p.Pro25993Leu; replaces proline 25993 with leucine.
Molecular consequence: missense variant.
Genome position (GRCh38, 1-based): chr2:178,568,154, G>A on the plus strand (C>T on the coding strand, the complement: TTN is on the minus strand). VCF-style: chr2-178568154-G-A. GRCh37 (hg19) VCF-style: chr2-179432881-G-A.
Other names: c.73055C>T, p.Pro24352Leu (NM_001256850.1); c.50783C>T, p.Pro16928Leu (NM_003319.4); c.70274C>T, p.Pro23425Leu (NM_133378.4); c.51158C>T, p.Pro17053Leu (NM_133432.3); c.51359C>T, p.Pro17120Leu (NM_133437.4); short protein forms P16928L, P17053L, P17120L, P23425L, P24352L, P25993L.
Identifiers: ClinVar variation 1311234 (VCV001311234.32), dbSNP rs771646684, ClinGen allele CA1989680.
Genomic context (GRCh38, chr2:178,568,154, plus strand): 5'-TCATGCCACTGTATGACCATGGAGTCTTTGGAAATGGCTGTGGCAAATGGTGTACCTGGA[G>A]GGCCTGGTTCTTTGTAGGGATATTGAGCTACAATTGGATCAGACTCTAAGGCAAAGCTTT-3'
Protein context (NP_001254479.2, residues 25983-26003): VAQYPYKEPG[Pro25993Leu]PGTPFATAIS